The following is an entry in ClinVar:

ClinVar aggregate classification (germline): Likely benign (1 of 4 stars; one submission).

Allele frequency attached by ClinVar (database versions not stated): gnomAD 0.00004 and 0.00082; ESP Exome Variant Server 0.00008; TOPMed 0.00019; gnomAD exomes 0.00142 and 0.00285; 1000 Genomes Project 30x 0.00406; ExAC 0.00412; 1000 Genomes Project 0.00479.
gnomAD v4.1: 2,180 of 1,609,808 alleles (0.14%); highest among the groups gnomAD compares: South Asian, 2.3%; 35 homozygotes.

Submission:

GeneDx
Classification: Likely benign. Last evaluated: 2018-06-19. Review status: criteria provided, single submitter. Criteria: GeneDx Variant Classification (06012015). Collection method: clinical testing. Allele origin: germline. Affected: yes.
Comment: This variant is considered likely benign or benign based on one or more of the following criteria: it is a conservative change, it occurs at a poorly conserved position in the protein, it is predicted to be benign by multiple in silico algorithms, and/or has population frequency not consistent with disease.

NM_000334.4(SCN4A):c.274-30C>G

Gene: SCN4A (sodium voltage-gated channel alpha subunit 4; minus strand). Cytogenetic location: 17q23.3.
Variant type: single nucleotide variant.
Coding change: c.274-30C>G on transcript NM_000334.4 (MANE Select); 30 bases into the intron before coding-DNA position 274, C replaced by G.
Molecular consequence: intron variant.
Genome position (GRCh38, 1-based): chr17:63,972,500, G>C on the plus strand (C>G on the coding strand, the complement: SCN4A is on the minus strand). VCF-style: chr17-63972500-G-C. GRCh37 (hg19) VCF-style: chr17-62049860-G-C.
Identifiers: ClinVar variation 679431 (VCV000679431.1), dbSNP rs371946667, ClinGen allele CA8710216.